The following is an entry in ClinVar:

ClinVar aggregate classification (germline): Uncertain significance (1 of 4 stars; one submission).

Allele frequency attached by ClinVar (database versions not stated): ExAC 0.00002; gnomAD exomes 0.00003; gnomAD 0.00004; TOPMed 0.00006.
gnomAD v4.1: 49 of 1,614,052 alleles (0.003%); highest among the groups gnomAD compares: East Asian, 0.033%; no homozygotes.

Submission:

Labcorp Genetics (formerly Invitae), Labcorp
Classification: Uncertain significance. Last evaluated: 2025-04-11. Review status: criteria provided, single submitter. Criteria: Invitae Variant Classification Sherloc (09022015). Collection method: clinical testing. Allele origin: germline.
Comment: This sequence change replaces arginine, which is basic and polar, with histidine, which is basic and polar, at codon 728 of the MICAL1 protein (p.Arg728His). This variant is present in population databases (rs749291145, gnomAD 0.004%). This variant has not been reported in the literature in individuals affected with MICAL1-related conditions. ClinVar contains an entry for this variant (Variation ID: 2161378). An algorithm developed to predict the effect of missense changes on protein structure and function (PolyPhen-2) suggests that this variant is likely to be disruptive. In summary, the available evidence is currently insufficient to determine the role of this variant in disease. Therefore, it has been classified as a Variant of Uncertain Significance.

NM_022765.4(MICAL1):c.2126G>A (p.Arg709His)

Gene: MICAL1 (microtubule associated monooxygenase, calponin and LIM domain containing 1; minus strand). Cytogenetic location: 6q21.
Variant type: single nucleotide variant.
Coding change: c.2126G>A on transcript NM_022765.4 (MANE Select); coding-DNA position 2126, G replaced by A.
Protein change: p.Arg709His; replaces arginine 709 with histidine.
Molecular consequence: missense variant.
Genome position (GRCh38, 1-based): chr6:109,447,174, C>T on the plus strand (G>A on the coding strand, the complement: MICAL1 is on the minus strand). VCF-style: chr6-109447174-C-T. GRCh37 (hg19) VCF-style: chr6-109768377-C-T.
Other names: c.1868G>A, p.Arg623His (NM_001159291.2); c.2183G>A, p.Arg728His (NM_001286613.2); short protein forms R623H, R728H, R709H.
Identifiers: ClinVar variation 2161378 (VCV002161378.4), dbSNP rs749291145, ClinGen allele CA3953053.